The following is an entry in ClinVar:

ClinVar aggregate classification (germline): Uncertain significance. Review status: criteria provided, multiple submitters, no conflicts (2 of 4 stars). 2 submissions from 2 submitters: Uncertain significance (2). Last evaluated 2024-03-13.

Conditions:
Colorectal cancer, hereditary nonpolyposis, type 7. Identifiers: Orphanet 144, MedGen C1858380, MONDO:0013725, OMIM 614385.

Allele frequency attached by ClinVar (database versions not stated): gnomAD exomes below 0.00001; gnomAD 0.00001; TOPMed 0.00001.

Submissions (2):

Ambry Genetics
Classification: Uncertain significance. Last evaluated: 2024-03-13. Review status: criteria provided, single submitter. Criteria: Ambry Variant Classification Scheme 2023. Collection method: clinical testing. Allele origin: germline.
Comment: The p.E356A variant (also known as c.1067A>C), located in coding exon 1 of the MLH3 gene, results from an A to C substitution at nucleotide position 1067. The glutamic acid at codon 356 is replaced by alanine, an amino acid with dissimilar properties. This amino acid position is well conserved in available vertebrate species. In addition, the in silico prediction for this alteration is inconclusive. Based on the available evidence, the clinical significance of this alteration remains unclear.

Labcorp Genetics (formerly Invitae), Labcorp
Classification: Uncertain significance for Colorectal cancer, hereditary nonpolyposis, type 7. Last evaluated: 2023-01-14. Review status: criteria provided, single submitter. Criteria: Invitae Variant Classification Sherloc (09022015). Collection method: clinical testing. Allele origin: germline.
Comment: This variant has not been reported in the literature in individuals affected with MLH3-related conditions. In summary, the available evidence is currently insufficient to determine the role of this variant in disease. Therefore, it has been classified as a Variant of Uncertain Significance. Algorithms developed to predict the effect of missense changes on protein structure and function (SIFT, PolyPhen-2, Align-GVGD) all suggest that this variant is likely to be tolerated. ClinVar contains an entry for this variant (Variation ID: 1782104). This variant is present in population databases (no rsID available, gnomAD 0.003%). This sequence change replaces glutamic acid, which is acidic and polar, with alanine, which is neutral and non-polar, at codon 356 of the MLH3 protein (p.Glu356Ala).

NM_001040108.2(MLH3):c.1067A>C (p.Glu356Ala)

Gene: MLH3 (mutL homolog 3; minus strand). Cytogenetic location: 14q24.3.
Variant type: single nucleotide variant.
Coding change: c.1067A>C on transcript NM_001040108.2 (MANE Select); coding-DNA position 1067, A replaced by C.
Protein change: p.Glu356Ala; replaces glutamic acid 356 with alanine.
Molecular consequence: missense variant.
Genome position (GRCh38, 1-based): chr14:75,048,589, T>G on the plus strand (A>C on the coding strand, the complement: MLH3 is on the minus strand). VCF-style: chr14-75048589-T-G. GRCh37 (hg19) VCF-style: chr14-75515292-T-G.
Other names: c.1067A>C, p.Glu356Ala (NM_014381.3); short protein forms E356A.
Identifiers: ClinVar variation 1782104 (VCV001782104.5), dbSNP rs1248305541, ClinGen allele CA390447694.
Genomic context (GRCh38, chr14:75,048,589, plus strand): 5'-GCATCAAATAAACTAAAACCATTATCTTCACTAAATTCCTTAATATCCTCACCTGATAAT[T>G]CCACAAATAATTTTTCTTGCTTTAAAAACATTTTCACTCCTTCCTGAATGCAAAACAAGA-3'
Protein context (NP_001035197.1, residues 346-366): MFLKQEKLFV[Glu356Ala]LSGEDIKEFS